The following is an entry in ClinVar:

ClinVar aggregate classification (germline): Conflicting classifications of pathogenicity. Review status: criteria provided, conflicting classifications (1 of 4 stars). 2 submissions from 2 submitters: Uncertain significance (1); Likely benign (1). Last evaluated 2023-03-23.

Conditions:
Hereditary cancer-predisposing syndrome. Also called: Neoplastic Syndromes, Hereditary; Tumor predisposition; Hereditary Cancer Syndrome; Hereditary neoplastic syndrome. Identifiers: Orphanet 140162, MedGen C0027672, MeSH D009386, MONDO:0015356.

Submissions (2):

University of Washington Department of Laboratory Medicine, University of Washington
Classification: Likely benign for Hereditary cancer-predisposing syndrome. Last evaluated: 2023-03-23. Review status: criteria provided, single submitter. Criteria: Dines et al. (Genet Med. 2020). Collection method: curation. Allele origin: germline.
Comment: Missense variant in a coldspot region where missense variants are very unlikely to be pathogenic (PMID:31911673).

BRCA1 coldspot (exon 11 using historical exon numbering). Reclassification based on statistical prior probability

Ambry Genetics
Classification: Uncertain significance for Hereditary cancer-predisposing syndrome. Last evaluated: 2015-07-31. Review status: criteria provided, single submitter. Criteria: Ambry Variant Classification Scheme 2023. Collection method: clinical testing. Allele origin: germline.
Comment: The p.P364T variant (also known as c.1090C>A), located in coding exon 9 of the BRCA1 gene, results from a C to A substitution at nucleotide position 1090. The proline at codon 364 is replaced by threonine, an amino acid with highly similar properties. This amino acid position is not well conserved in available vertebrate species. In addition, the in silico prediction for this alteration is inconclusive. Since supporting evidence is limited at this time, the clinical significance of this alteration remains unclear.

NM_007294.4(BRCA1):c.1090C>A (p.Pro364Thr)

Gene: BRCA1 (BRCA1 DNA repair associated; minus strand). Cytogenetic location: 17q21.31.
Variant type: single nucleotide variant.
Coding change: c.1090C>A on transcript NM_007294.4 (MANE Select); coding-DNA position 1090, C replaced by A.
Protein change: p.Pro364Thr; replaces proline 364 with threonine.
Molecular consequence: missense variant. On other transcripts: intron variant (137).
Genome position (GRCh38, 1-based): chr17:43,094,441, G>T on the plus strand (C>A on the coding strand, the complement: BRCA1 is on the minus strand). VCF-style: chr17-43094441-G-T. GRCh37 (hg19) VCF-style: chr17-41246458-G-T.
Other names: c.1087C>A, p.Pro363Thr (NM_001407638.1, NM_001407644.1, NM_001407645.1 and 22 more transcripts); c.1090C>A, p.Pro364Thr (NM_001407639.1, NM_001407640.1, NM_001407641.1 and 30 more transcripts); c.1081C>A, p.Pro361Thr (NM_001407646.1, NM_001407647.1); c.967C>A, p.Pro323Thr (NM_001407648.1, NM_001407664.1, NM_001407665.1 and 19 more transcripts); c.964C>A, p.Pro322Thr (NM_001407649.1, NM_001407670.1, NM_001407671.1 and 11 more transcripts); c.1012C>A, p.Pro338Thr (NM_001407653.1, NM_001407654.1, NM_001407655.1 and 4 more transcripts); c.1009C>A, p.Pro337Thr (NM_001407659.1, NM_001407660.1, NM_001407661.1 and 1 more transcripts); c.949C>A, p.Pro317Thr (NM_001407692.1, NM_001407694.1, NM_001407695.1 and 29 more transcripts); and 40 more; short protein forms P364T, P317T, P196T, P237T, P253T, P297T, P363T, P68T.
Identifiers: ClinVar variation 233289 (VCV000233289.8), dbSNP rs876660309, ClinGen allele CA10580682.